The following is an entry in ClinVar:

NM_014639.4(SKIC3):c.3221_3222del (p.Ala1073_Tyr1074insTer)

Gene: SKIC3 (SKI3 subunit of superkiller complex; minus strand). Cytogenetic location: 5q15.
Variant type: Deletion.
Coding change: c.3221_3222del on transcript NM_014639.4 (MANE Select); coding-DNA positions 3221 to 3222, 2 bases deleted (AT; older notation c.3221_3222delAT).
Protein change: p.Ala1073_Tyr1074insTer.
Molecular consequence: nonsense.
Genome position (GRCh38, 1-based): chr5:95,502,999-95,503,000, AT deleted on the plus strand (AT on the coding strand, the reverse complement: SKIC3 is on the minus strand); deleting any 2 consecutive bases within chr5:95,502,999-95,503,001 gives the same sequence; the c. name uses the placement nearest the transcript's 3' end. VCF-style (leftmost placement, unchanged base first): chr5-95502998-CAT-C. GRCh37 (hg19) VCF-style: chr5-94838702-CAT-C.
Identifiers: ClinVar variation 1937724 (VCV001937724.5), dbSNP rs1292477918, ClinGen allele CA815810216.
Genomic context (GRCh38, chr5:95,502,998, plus strand): 5'-CCAGAGCTGTCAAGATATGGGCTTTGTCTTGCTCCGATTCAACAATAGACAAGGCTCTCT[CAT>C]AGGCTGTTACATAGAAGTGAAAACAAACAAAACAATATAAAAGCCATCCTGATTGATGAA-3'

ClinVar aggregate classification (germline): Pathogenic (1 of 4 stars; one submission).

Submission:

Labcorp Genetics (formerly Invitae), Labcorp
Classification: Pathogenic. Last evaluated: 2025-09-22. Review status: criteria provided, single submitter. Criteria: Invitae Variant Classification Sherloc (09022015). Collection method: clinical testing. Allele origin: germline.
Comment: This sequence change creates a premature translational stop signal (p.Tyr1074*) in the TTC37 gene. It is expected to result in an absent or disrupted protein product. Loss-of-function variants in TTC37 are known to be pathogenic (PMID: 20176027, 21120949). This variant is not present in population databases (gnomAD no frequency). This variant has not been reported in the literature in individuals affected with TTC37-related conditions. ClinVar contains an entry for this variant (Variation ID: 1937724). For these reasons, this variant has been classified as Pathogenic.

Literature cited by the submitters: PubMed 20176027; PubMed 21120949.